The following is an entry in ClinVar:

ClinVar aggregate classification (germline): Pathogenic (1 of 4 stars; one submission).

Conditions:
16p13.11p11.2 triplication syndrome.

Submission:

Department of Clinical Genetics, Aarhus University Hospital
Classification: Pathogenic for 16p13.11p11.2 triplication syndrome. Last evaluated: 2025-12-01. Review status: criteria provided, single submitter. Criteria: ACMG/ClinGen CNV Guidelines, 2019. Collection method: clinical testing. Allele origin: de novo. Inheritance: Autosomal dominant inheritance. Affected: yes.
Comment: This is a complex interstitial chromosomal rearrangement comprising of a 13 Mb triplication of 16p13.11p11.2 (NC_000016.10:g(15327636_15368750)_(28342902_28469701)trip) surrounded by proximal and distal duplications of 16p13.11 (NC_000016.10:g.(14687961_14768693)_(15326680_15366360)dup) and 16p11.2. (NC_000016.10:g(28345448_28473820)_( 28644458_28813364)dup), respectively.

Literature cited by the submitters: PubMed 35388186; PubMed 26647099.

GRCh38/hg38 16p13.11-12.1(chr16:15368750-28342902)x4

Genes: LYRM1 (LYR motif containing 1; plus strand), MARF1 (meiosis regulator and mRNA stability factor 1; minus strand), METTL9 (methyltransferase 9, His-X-His N1(pi)-histidine), MIR1273H (microRNA 1273h; plus strand), MIR3179-2 (microRNA 3179-2; plus strand) and 395 more. Cytogenetic location: 16p13.11-12.1.
Variant type: copy number gain.
Change: copy number 4 of chr16:15,368,750-28,342,902 (12.97 Mb, GRCh38 coordinates, 1-based), cytogenetic band 16p13.11-12.1.
Identifiers: ClinVar variation 4686601 (VCV004686601.2).